The following is an entry in ClinVar:

ClinVar aggregate classification (germline): Benign/Likely benign. Review status: criteria provided, multiple submitters, no conflicts (2 of 4 stars). 4 submissions from 4 submitters: Benign (3); Likely benign (1). Last evaluated 2026-01-15.

Conditions:
RNF213-related disorder. Also called: RNF213-related condition.

Allele frequency attached by ClinVar (database versions not stated): ESP Exome Variant Server 0.00031; gnomAD exomes 0.00193 and 0.00724; gnomAD 0.00298 and 0.00307; TOPMed 0.00444; 1000 Genomes Project 30x 0.00453; 1000 Genomes Project 0.00459; ExAC 0.00613.
gnomAD v4.1: 3,318 of 1,613,070 alleles (0.21%); highest among the groups gnomAD compares: Admixed American, 3.2%; 49 homozygotes.

Submissions (4):

Labcorp Genetics (formerly Invitae), Labcorp
Classification: Benign. Last evaluated: 2026-01-15. Review status: criteria provided, single submitter. Criteria: Invitae Variant Classification Sherloc (09022015). Collection method: clinical testing. Allele origin: germline.

PreventionGenetics, part of Exact Sciences
Classification: Likely benign for RNF213-related condition. Last evaluated: 2024-12-02. Review status: criteria provided, single submitter. Criteria: ACMG Guidelines, 2015. Collection method: clinical testing. Allele origin: germline.
Comment: This variant is classified as likely benign based on ACMG/AMP sequence variant interpretation guidelines (Richards et al. 2015 PMID: 25741868, with internal and published modifications).

Mayo Clinic Laboratories, Mayo Clinic
Classification: Benign. Last evaluated: 2024-06-06. Review status: criteria provided, single submitter. Criteria: ACMG Guidelines, 2015. Collection method: clinical testing. Allele origin: germline. Observed: 3 variant alleles.
Comment: BS1, BS2, BP4

Breakthrough Genomics
Classification: Benign. Review status: criteria provided, single submitter. Criteria: ACMG Guidelines, 2015. Collection method: not provided. Allele origin: germline. Inheritance: Autosomal dominant inheritance. Affected: yes.

Literature cited by the submitters: PubMed 37996244 (cited by Mayo Clinic Laboratories, Mayo Clinic).

NM_001256071.3(RNF213):c.12748C>A (p.Pro4250Thr)

Genes: RNF213 (ring finger protein 213; plus strand), RNF213-AS1 (RNF213 antisense RNA 1; minus strand), LOC126862663 (BRD4-independent group 4 enhancer GRCh37_chr17:78345568-78346767; plus strand). Cytogenetic location: 17q25.3.
Variant type: single nucleotide variant.
Coding change: c.12748C>A on transcript NM_001256071.3 (MANE Select); coding-DNA position 12748, C replaced by A.
Protein change: p.Pro4250Thr; replaces proline 4250 with threonine.
Molecular consequence: missense variant.
Genome position (GRCh38, 1-based): chr17:80,372,731, C>A. VCF-style: chr17-80372731-C-A. GRCh37 (hg19) VCF-style: chr17-78346531-C-A.
Other names: p.Pro4250Thr; short protein forms P4250T.
Identifiers: ClinVar variation 770645 (VCV000770645.13), dbSNP rs138029774, ClinGen allele CA8822271.